The following is an entry in ClinVar:

NM_000032.5(ALAS2):c.1401T>C (p.Pro467=)

Gene: ALAS2 (5'-aminolevulinate synthase 2; minus strand). Cytogenetic location: Xp11.21.
Variant type: single nucleotide variant.
Coding change: c.1401T>C on transcript NM_000032.5 (MANE Select); coding-DNA position 1401, T replaced by C.
Protein change: p.Pro467=; no amino-acid change (proline 467 retained).
Molecular consequence: synonymous variant.
Genome position (GRCh38, 1-based): chrX:55,014,783, A>G on the plus strand (T>C on the coding strand, the complement: ALAS2 is on the minus strand). VCF-style: chrX-55014783-A-G. GRCh37 (hg19) VCF-style: chrX-55041216-A-G.
Other names: c.1290T>C, p.Pro430= (NM_001037967.4); c.1362T>C, p.Pro454= (NM_001037968.4); c.1401T>C (NM_000032.4).
Identifiers: ClinVar variation 1627684 (VCV001627684.10), dbSNP rs1027728516, ClinGen allele CA328970485.

ClinVar aggregate classification (germline): Likely benign. Review status: criteria provided, single submitter (1 of 4 stars). 2 submissions from 2 submitters: Likely benign (1). 1 of the submissions does not count toward it. Last evaluated 2026-01-05.

Conditions:
ALAS2-related disorder. Also called: ALAS2-related condition.

Allele frequency attached by ClinVar (database versions not stated): gnomAD 0.00001; gnomAD exomes 0.00001 and 0.00003; TOPMed 0.00003.
gnomAD v4.1: 14 of 1,193,256 alleles (0.0012%); highest among the groups gnomAD compares: Admixed American, 0.011%; no homozygotes.

Submissions (2):

Labcorp Genetics (formerly Invitae), Labcorp
Classification: Likely benign. Last evaluated: 2026-01-05. Review status: criteria provided, single submitter. Criteria: Invitae Variant Classification Sherloc (09022015). Collection method: clinical testing. Allele origin: germline.

PreventionGenetics, part of Exact Sciences
Classification: Likely benign for ALAS2-related condition. Last evaluated: 2020-06-16. Review status: no assertion criteria provided. Collection method: clinical testing. Allele origin: germline. Not counted in ClinVar's aggregate classification.
Comment: This variant is classified as likely benign based on ACMG/AMP sequence variant interpretation guidelines (Richards et al. 2015 PMID: 25741868, with internal and published modifications).